The following is an entry in ClinVar:

ClinVar aggregate classification (germline): Likely benign (1 of 4 stars; one submission).

Submission:

CeGaT Center for Human Genetics Tuebingen
Classification: Likely benign. Last evaluated: 2023-06-01. Review status: criteria provided, single submitter. Criteria: CeGaT Center For Human Genetics Tuebingen Variant Classification Criteria Version 2. Collection method: clinical testing. Allele origin: germline. Affected: yes. Observed: 1 variant allele.
Comment: DCHS1: PM2:Supporting, BP4, BP7

NM_003737.4(DCHS1):c.3345T>G (p.Ala1115=)

Gene: DCHS1 (dachsous cadherin-related 1; minus strand). Cytogenetic location: 11p15.4.
Variant type: single nucleotide variant.
Coding change: c.3345T>G on transcript NM_003737.4 (MANE Select); coding-DNA position 3345, T replaced by G.
Protein change: p.Ala1115=; no amino-acid change (alanine 1115 retained).
Molecular consequence: synonymous variant.
Genome position (GRCh38, 1-based): chr11:6,632,167, A>C on the plus strand (T>G on the coding strand, the complement: DCHS1 is on the minus strand). VCF-style: chr11-6632167-A-C. GRCh37 (hg19) VCF-style: chr11-6653398-A-C.
Identifiers: ClinVar variation 2641568 (VCV002641568.24), dbSNP rs2493828568, ClinGen allele CA473241148.